The following is an entry in ClinVar:

ClinVar aggregate classification (germline): Uncertain significance. Review status: criteria provided, multiple submitters, no conflicts (2 of 4 stars). 2 submissions from 2 submitters: Uncertain significance (2). Last evaluated 2024-05-20.

Conditions:
Hyperkalemic periodic paralysis. Also called: Familial hyperkalemic periodic paralysis; Gamstorp disease. Identifiers: Orphanet 682, MedGen C0238357, MONDO:0008224, OMIM 170500, HP:0007215.

Submissions (2):

Athena Diagnostics
Classification: Uncertain significance. Last evaluated: 2024-05-20. Review status: criteria provided, single submitter. Criteria: Athena Diagnostics Criteria. Collection method: clinical testing. Allele origin: unknown.
Comment: Available data are insufficient to determine the clinical significance of the variant at this time. This variant has not been reported in large, multi-ethnic general populations. This variant has been identified in at least one individual tested at Athena Diagnostics with clinical features associated with this gene. Polyphen and MutationTaster predict this amino acid change may be damaging to the protein. The variant is located in a region that is considered important for protein function and/or structure.

Labcorp Genetics (formerly Invitae), Labcorp
Classification: Uncertain significance for Hyperkalemic periodic paralysis. Last evaluated: 2020-06-18. Review status: criteria provided, single submitter. Criteria: Invitae Variant Classification Sherloc (09022015). Collection method: clinical testing. Allele origin: germline.
Comment: In summary, the available evidence is currently insufficient to determine the role of this variant in disease. Therefore, it has been classified as a Variant of Uncertain Significance. Algorithms developed to predict the effect of missense changes on protein structure and function are either unavailable or do not agree on the potential impact of this missense change (SIFT: "Deleterious"; PolyPhen-2: "Probably Damaging"; Align-GVGD: "Class C15"). This variant has not been reported in the literature in individuals with SCN4A-related conditions. This variant is not present in population databases (ExAC no frequency). This sequence change replaces valine with methionine at codon 1449 of the SCN4A protein (p.Val1449Met). The valine residue is highly conserved and there is a small physicochemical difference between valine and methionine.

Literature cited by the submitters: PubMed 26257771 (cited by Athena Diagnostics).

NM_000334.4(SCN4A):c.4345G>A (p.Val1449Met)

Genes: GH-LCR (growth hormone locus control region; plus strand), SCN4A (sodium voltage-gated channel alpha subunit 4; minus strand). Cytogenetic location: 17q23.3.
Variant type: single nucleotide variant.
Coding change: c.4345G>A on transcript NM_000334.4 (MANE Select); coding-DNA position 4345, G replaced by A.
Protein change: p.Val1449Met; replaces valine 1449 with methionine.
Molecular consequence: missense variant.
Genome position (GRCh38, 1-based): chr17:63,941,937, C>T on the plus strand (G>A on the coding strand, the complement: SCN4A is on the minus strand). VCF-style: chr17-63941937-C-T. GRCh37 (hg19) VCF-style: chr17-62019297-C-T.
Other names: short protein forms V1449M.
Identifiers: ClinVar variation 1043413 (VCV001043413.10), dbSNP rs1908551755, ClinGen allele CA400616188.
Genomic context (GRCh38, chr17:63,941,937, plus strand): 5'-GGATGCCCTTGGCCCCGCGGATCAGCCGCAGGACACGCCCAATCCGCGCCAGGCGGATCA[C>T]ACGGAACAGCGTGGGTGACACGAAGTACTTCTGGATCAGGTCAGAGAGGGCAAGGCCTGC-3'
Protein context (NP_000325.4, residues 1439-1459): KYFVSPTLFR[Val1449Met]IRLARIGRVL